The following is an entry in ClinVar:

NM_016011.5(MECR):c.1106A>C (p.Gln369Pro)

Gene: MECR (mitochondrial trans-2-enoyl-CoA reductase; minus strand). Cytogenetic location: 1p35.3.
Variant type: single nucleotide variant.
Coding change: c.1106A>C on transcript NM_016011.5 (MANE Select); coding-DNA position 1106, A replaced by C.
Protein change: p.Gln369Pro; replaces glutamine 369 with proline.
Molecular consequence: missense variant. On other transcripts: non-coding transcript variant (4).
Genome position (GRCh38, 1-based): chr1:29,194,038, T>G on the plus strand (A>C on the coding strand, the complement: MECR is on the minus strand). VCF-style: chr1-29194038-T-G. GRCh37 (hg19) VCF-style: chr1-29520550-T-G.
Other names: c.878A>C, p.Gln293Pro (NM_001024732.4, NM_001349711.2, NM_001349712.2 and 2 more transcripts); c.1211A>C, p.Gln404Pro (NM_001349715.2); c.1190A>C, p.Gln397Pro (NM_001349716.2); c.956A>C, p.Gln319Pro (NM_001349717.2); short protein forms Q293P, Q319P, Q397P, Q404P, Q369P.
Identifiers: ClinVar variation 4105944 (VCV004105944.2).

ClinVar aggregate classification (germline): Uncertain significance. Review status: criteria provided, multiple submitters, no conflicts (2 of 4 stars). 2 submissions from 2 submitters: Uncertain significance (2). Last evaluated 2025-10-19.

Conditions:
Inborn genetic diseases. Identifiers: MedGen C0950123, MeSH D030342.

Submissions (2):

Labcorp Genetics (formerly Invitae), Labcorp
Classification: Uncertain significance. Last evaluated: 2025-10-19. Review status: criteria provided, single submitter. Criteria: Invitae Variant Classification Sherloc (09022015). Collection method: clinical testing. Allele origin: germline.
Comment: This sequence change replaces glutamine, which is neutral and polar, with proline, which is neutral and non-polar, at codon 369 of the MECR protein (p.Gln369Pro). This variant is present in population databases (rs146771733, gnomAD 0.004%). This variant has not been reported in the literature in individuals affected with MECR-related conditions. Invitae Evidence Modeling of protein sequence and biophysical properties (such as structural, functional, and spatial information, amino acid conservation, physicochemical variation, residue mobility, and thermodynamic stability) indicates that this missense variant is not expected to disrupt MECR protein function with a negative predictive value of 80%. In summary, the available evidence is currently insufficient to determine the role of this variant in disease. Therefore, it has been classified as a Variant of Uncertain Significance.

Ambry Genetics
Classification: Uncertain significance for Inborn genetic diseases. Last evaluated: 2025-08-12. Review status: criteria provided, single submitter. Criteria: Ambry Variant Classification Scheme 2023. Collection method: clinical testing. Allele origin: germline.